The following is an entry in ClinVar:

NM_007294.4(BRCA1):c.5255C>A (p.Ala1752Glu)

Gene: BRCA1 (BRCA1 DNA repair associated; minus strand). Cytogenetic location: 17q21.31.
Variant type: single nucleotide variant.
Coding change: c.5255C>A on transcript NM_007294.4 (MANE Select); coding-DNA position 5255, C replaced by A.
Protein change: p.Ala1752Glu; replaces alanine 1752 with glutamic acid.
Molecular consequence: missense variant. On other transcripts: non-coding transcript variant (1).
Genome position (GRCh38, 1-based): chr17:43,057,074, G>T on the plus strand (C>A on the coding strand, the complement: BRCA1 is on the minus strand). VCF-style: chr17-43057074-G-T. GRCh37 (hg19) VCF-style: chr17-41209091-G-T.
Other names: c.4985C>A, p.Ala1662Glu (NM_001407936.1, NM_001407935.1, NM_001407934.1); c.5132C>A, p.Ala1711Glu (NM_001407937.1, NM_001407938.1, NM_001407664.1 and 6 more transcripts); c.5129C>A, p.Ala1710Glu (NM_001407939.1, NM_001407940.1, NM_001407670.1 and 10 more transcripts); c.5126C>A, p.Ala1709Glu (NM_001407941.1, NM_001407689.1, NM_001407681.1 and 6 more transcripts); c.5114C>A, p.Ala1705Glu (NM_001407942.1, NM_001407692.1, NM_001407694.1 and 13 more transcripts); c.5111C>A, p.Ala1704Glu (NM_001407943.1, NM_001407944.1, NM_001407734.1 and 21 more transcripts); c.5252C>A, p.Ala1751Glu (NM_001407619.1, NM_001407620.1, NM_001407621.1 and 17 more transcripts); c.5249C>A, p.Ala1750Glu (NM_001407627.1, NM_001407628.1, NM_001407629.1 and 14 more transcripts); and 72 more; short protein forms A1705E, A1752E, A1773E, A648E, A1623E, A1625E, A1639E, A1641E.
Identifiers: ClinVar variation 868230 (VCV000868230.5), dbSNP rs80357028, ClinGen allele CA10591042.

ClinVar aggregate classification (germline): Pathogenic (1 of 4 stars; one submission).

Conditions:
Hereditary cancer-predisposing syndrome. Also called: Neoplastic Syndromes, Hereditary; Tumor predisposition; Hereditary Cancer Syndrome; Hereditary neoplastic syndrome. Identifiers: Orphanet 140162, MedGen C0027672, MeSH D009386, MONDO:0015356.

Submissions (2):

Ambry Genetics
Classification: Pathogenic for Hereditary cancer-predisposing syndrome. Last evaluated: 2021-12-15. Review status: criteria provided, single submitter. Criteria: Ambry Variant Classification Scheme 2023. Collection method: clinical testing. Allele origin: germline.
Comment: The p.A1752E pathogenic mutation (also known as c.5255C>A), located in coding exon 18 of the BRCA1 gene, results from a C to A substitution at nucleotide position 5255. The alanine at codon 1752 is replaced by glutamic acid, an amino acid with dissimilar properties. One functional study found that this nucleotide substitution is non-functional in a high-throughput, genome editing, haploid cell survival assay (Findlay GM et al. Nature, 2018 10;562:217-222). Two other alterations at the same codon, p.A1752T (c.5254G>A) and p.A1752P (c.5254G>C), have been described in multiple individuals diagnosed with breast and/or ovarian cancer (Ha HI et al. J Gynecol Oncol, 2020 Nov;31:e83; Essioux L et al. Am. J. Med. Genet. 1998 Sep;79:175-83; Bergthorsson JT et al. J. Med. Genet. 2001 Jun;38:361-8; Li WF et al. Breast Cancer Res Treat. 2008 Jul;110(1):99-109). The p.A1752E variant is considered to be rare based on population cohorts in the Genome Aggregation Database (gnomAD). This amino acid position is well conserved in available vertebrate species. Based on the supporting evidence, this alteration is interpreted as a disease-causing mutation.

Brotman Baty Institute, University of Washington
No classification provided (evidence only). Condition: Breast-ovarian cancer, familial 1. Review status: no classification provided. Collection method: in vitro. Allele origin: not applicable. Functional consequence: functionally_abnormal. Not counted in ClinVar's aggregate classification.
ClinVar note: "not provided" was previously submitted as the classification for the variant. However, the classification appeared to be based only on an observation of functional data so it was converted to no classification on 2025-07-30.

Literature cited by the submitters: PubMed 30209399 (cited by Ambry Genetics).